The following is an entry in ClinVar:

NM_005989.4(AKR1D1):c.*1311A>C

Gene: AKR1D1 (aldo-keto reductase family 1 member D1; plus strand). Cytogenetic location: 7q33.
Variant type: single nucleotide variant.
Coding change: c.*1311A>C on transcript NM_005989.4 (MANE Select); 1311 bases downstream of the stop codon, A replaced by C.
Molecular consequence: 3 prime UTR variant.
Genome position (GRCh38, 1-based): chr7:138,117,973, A>C. VCF-style: chr7-138117973-A-C. GRCh37 (hg19) VCF-style: chr7-137802719-A-C.
Other names: c.*1311A>C (NM_001190906.2); c.*1336A>C (NM_001190907.2).
Identifiers: ClinVar variation 358993 (VCV000358993.6), dbSNP rs188138947, ClinGen allele CA10625313.

ClinVar aggregate classification (germline): Benign. Review status: criteria provided, multiple submitters, no conflicts (2 of 4 stars). 2 submissions from 2 submitters: Benign (2). Last evaluated 2018-01-13.

Conditions:
Congenital bile acid synthesis defect 2 (CBAS2). Also called: CHOLESTASIS WITH DELTA(4)-3-OXOSTEROID 5-BETA-REDUCTASE DEFICIENCY. Identifiers: Orphanet 79303, MedGen C1856127, MONDO:0009339, OMIM 235555.

Allele frequency attached by ClinVar (database versions not stated): gnomAD 0.03571; TOPMed 0.04280; 1000 Genomes Project 0.04792; 1000 Genomes Project 30x 0.04841.

Submissions (2):

Illumina Laboratory Services, Illumina
Classification: Benign for Congenital bile acid synthesis defect 2. Last evaluated: 2018-01-13. Review status: criteria provided, single submitter. Criteria: ICSL Variant Classification Criteria 13 December 2019. Collection method: clinical testing. Allele origin: germline.
Comment: This variant was observed in the ICSL laboratory as part of a predisposition screen in an ostensibly healthy population. It had not been previously curated by ICSL or reported in the Human Gene Mutation Database (HGMD: prior to June 1st, 2018), and was therefore a candidate for classification through an automated scoring system. Utilizing variant allele frequency, disease prevalence and penetrance estimates, and inheritance mode, an automated score was calculated to assess if this variant is too frequent to cause the disease. Based on the score and internal cut-off values, a variant classified as benign is not then subjected to further curation. The score for this variant resulted in a classification of benign for this disease.

Breakthrough Genomics
Classification: Benign. Review status: criteria provided, single submitter. Criteria: ACMG Guidelines, 2015. Collection method: not provided. Allele origin: germline. Inheritance: Autosomal recessive inheritance. Affected: yes.